The following is an entry in ClinVar:

NM_002108.4(HAL):c.964C>T (p.Arg322Ter)

Gene: HAL (histidine ammonia-lyase; minus strand). Cytogenetic location: 12q23.1.
Variant type: single nucleotide variant.
Coding change: c.964C>T on transcript NM_002108.4 (MANE Select); coding-DNA position 964, C replaced by T.
Protein change: p.Arg322Ter; replaces arginine 322 with a stop codon.
Molecular consequence: nonsense.
Genome position (GRCh38, 1-based): chr12:95,987,154, G>A on the plus strand (C>T on the coding strand, the complement: HAL is on the minus strand). VCF-style: chr12-95987154-G-A. GRCh37 (hg19) VCF-style: chr12-96380932-G-A.
Other names: c.340C>T, p.Arg114Ter (NM_001258333.2); c.964C>T, p.Arg322Ter (NM_001258334.2); short protein forms R322*, R114*.
Identifiers: ClinVar variation 225881 (VCV000225881.1), dbSNP rs34457757, ClinGen allele CA6727756.
Genomic context (GRCh38, chr12:95,987,154, plus strand): 5'-TCAGCACCTCAAGGGTCAGGGCTGCCACAATGTCAGCCTGCCGTGCAATAGCACTGGCTC[G>A]CTCTACAGCTTCACAGCCCAGGGATGTGATCATCTGCGTCCCATTGATGAGTGCCAGGCC-3'

ClinVar aggregate classification (germline): association (1 of 4 stars; one submission).

Conditions:
Increased histidine. Identifiers: MedGen C1291163.

Allele frequency attached by ClinVar (database versions not stated): gnomAD exomes 0.00065; ExAC 0.00086; 1000 Genomes Project 0.00240; gnomAD 0.00273 and 0.00289; 1000 Genomes Project 30x 0.00281; TOPMed 0.00329; ESP Exome Variant Server 0.00354.
gnomAD v4.1: 860 of 1,613,344 alleles (0.053%); highest among the groups gnomAD compares: African/African-American, 0.93%; 5 homozygotes.

Submission:

Lupski Lab, Baylor-Hopkins CMG, Baylor College of Medicine
Classification: association for Increased histidine. Last evaluated: 2015-11-15. Review status: criteria provided, single submitter. Criteria: Yu et al. (Circ Cardiovasc Genet. 2015). Collection method: research. Allele origin: germline. Affected: yes. Observed: 22 variant alleles, 22 heterozygotes.
Comment: Three heterozygous loss-of-function variants in HAL were found in 24/1152 African American individuals, in association with elevated serum histidine levels. Histidine level is a potential predictor of cardiovascular risk. Thus, loss-of-function variants in HAL may modify cardiovascular risk. Findings were replicated in a European American cohort.

Literature cited by the submitters: PubMed 15173056; PubMed 23361591.